The following is an entry in ClinVar:

ClinVar aggregate classification (germline): Conflicting classifications of pathogenicity. Review status: criteria provided, conflicting classifications (1 of 4 stars). 2 submissions from 2 submitters: Uncertain significance (1); Likely benign (1). Last evaluated 2026-06-07.

Conditions:
COL11A2-related disorder. Also called: COL11A2-related condition; COL11A2-related disorders.

Allele frequency attached by ClinVar (database versions not stated): gnomAD exomes below 0.00001; TOPMed below 0.00001.

Submissions (2):

PreventionGenetics, part of Exact Sciences
Classification: Uncertain significance for COL11A2-related condition. Last evaluated: 2026-06-07. Review status: criteria provided, single submitter. Criteria: ACMG Guidelines, 2015. Collection method: clinical testing. Allele origin: germline.
Comment: The COL11A2 c.721C>T variant is predicted to result in the amino acid substitution p.Pro241Ser. To our knowledge, this variant has not been reported in the literature. This variant is reported in 0.0065% of alleles in individuals of South Asian descent in gnomAD. At this time, the clinical significance of this variant is uncertain due to the absence of conclusive functional and genetic evidence.

Labcorp Genetics (formerly Invitae), Labcorp
Classification: Likely benign. Last evaluated: 2023-04-10. Review status: criteria provided, single submitter. Criteria: Invitae Variant Classification Sherloc (09022015). Collection method: clinical testing. Allele origin: germline.

NM_080680.3(COL11A2):c.721C>T (p.Pro241Ser)

Gene: COL11A2 (collagen type XI alpha 2 chain; minus strand). Cytogenetic location: 6p21.32.
Variant type: single nucleotide variant.
Coding change: c.721C>T on transcript NM_080680.3 (MANE Select); coding-DNA position 721, C replaced by T.
Protein change: p.Pro241Ser; replaces proline 241 with serine.
Molecular consequence: missense variant. On other transcripts: non-coding transcript variant (1), 5 prime UTR variant (3).
Genome position (GRCh38, 1-based): chr6:33,186,704, G>A on the plus strand (C>T on the coding strand, the complement: COL11A2 is on the minus strand). VCF-style: chr6-33186704-G-A. GRCh37 (hg19) VCF-style: chr6-33154481-G-A.
Other names: c.721C>T (NM_080680.2); c.721C>T, p.Pro241Ser (NM_080679.3, NM_080681.3, NM_001163771.2 and 1 more transcripts); c.-126C>T (NM_001424109.1, NM_001424110.1, NM_001424111.1); short protein forms P241S.
Identifiers: ClinVar variation 2733297 (VCV002733297.4), dbSNP rs1373716197, ClinGen allele CA363610264.